The following is an entry in ClinVar:

ClinVar aggregate classification (germline): Uncertain significance (1 of 4 stars; one submission).

Allele frequency attached by ClinVar (database versions not stated): gnomAD exomes 0.00001 and 0.00004; ExAC 0.00007; ESP Exome Variant Server 0.00015; 1000 Genomes Project 30x 0.00016; gnomAD 0.00018 and 0.00019; 1000 Genomes Project 0.00020.
gnomAD v4.1: 45 of 1,612,136 alleles (0.0028%); highest among the groups gnomAD compares: African/African-American, 0.059%; no homozygotes.

Submission:

Labcorp Genetics (formerly Invitae), Labcorp
Classification: Uncertain significance. Last evaluated: 2025-05-26. Review status: criteria provided, single submitter. Criteria: Invitae Variant Classification Sherloc (09022015). Collection method: clinical testing. Allele origin: germline.
Comment: This sequence change falls in intron 5 of the GUCY2C gene. It does not directly change the encoded amino acid sequence of the GUCY2C protein. It affects a nucleotide within the consensus splice site. This variant is present in population databases (rs371650642, gnomAD 0.07%). This variant has not been reported in the literature in individuals affected with GUCY2C-related conditions. ClinVar contains an entry for this variant (Variation ID: 1422322). Variants that disrupt the consensus splice site are a relatively common cause of aberrant splicing (PMID: 17576681, 9536098). Algorithms developed to predict the effect of sequence changes on RNA splicing suggest that this variant is not likely to affect RNA splicing. In summary, the available evidence is currently insufficient to determine the role of this variant in disease. Therefore, it has been classified as a Variant of Uncertain Significance.

Literature cited by the submitters: PubMed 17576681; PubMed 9536098.

NM_004963.4(GUCY2C):c.733+5G>C

Genes: GUCY2C (guanylate cyclase 2C; minus strand), GUCY2C-AS1 (GUCY2C antisense RNA 1; plus strand). Cytogenetic location: 12p12.3.
Variant type: single nucleotide variant.
Coding change: c.733+5G>C on transcript NM_004963.4 (MANE Select); 5 bases into the intron after coding-DNA position 733, G replaced by C.
Molecular consequence: intron variant.
Genome position (GRCh38, 1-based): chr12:14,681,351, C>G on the plus strand (G>C on the coding strand, the complement: GUCY2C is on the minus strand). VCF-style: chr12-14681351-C-G. GRCh37 (hg19) VCF-style: chr12-14834285-C-G.
Identifiers: ClinVar variation 1422322 (VCV001422322.6), dbSNP rs371650642, ClinGen allele CA6463682.
Genomic context (GRCh38, chr12:14,681,351, plus strand): 5'-TTATAAGGAGGTGGTAGTCATAAAGAAGAAGTTAGCAAAAAACAATTATCTTCATGTCTT[C>G]TTACCATTGCTTTTCCTGTTGTGGTCCATTAAGATATCCTGAAACTCCTTATCTTGTCTT-3'